The following is an entry in ClinVar:

NM_001379500.1(COL18A1):c.3457A>G (p.Ser1153Gly)

Genes: COL18A1 (collagen type XVIII alpha 1 chain; plus strand), SLC19A1 (solute carrier family 19 member 1; minus strand). Cytogenetic location: 21q22.3.
Variant type: single nucleotide variant.
Coding change: c.3457A>G on transcript NM_001379500.1 (MANE Select); coding-DNA position 3457, A replaced by G.
Protein change: p.Ser1153Gly; replaces serine 1153 with glycine.
Molecular consequence: missense variant.
Genome position (GRCh38, 1-based): chr21:45,509,563, A>G. VCF-style: chr21-45509563-A-G. GRCh37 (hg19) VCF-style: chr21-46929477-A-G.
Other names: c.3988A>G, p.Ser1330Gly (NM_030582.4); c.4693A>G, p.Ser1565Gly (NM_130444.3); short protein forms S1330G, S1565G, S1153G.
Identifiers: ClinVar variation 2049049 (VCV002049049.4), dbSNP rs1205452584, ClinGen allele CA410501154.
Genomic context (GRCh38, chr21:45,509,563, plus strand): 5'-CCCTACCCCGGAGCCCCGCACCACAGCTCCTACGTGCACCTGCGGCCGGCGCGACCCACA[A>G]GCCCACCCGCCCACAGCCACCGCGACTTCCAGCCGGTGGTGAGTGCCCCCCCAAAGTGGG-3'
Protein context (NP_001366429.1, residues 1143-1163): YVHLRPARPT[Ser1153Gly]PPAHSHRDFQ

ClinVar aggregate classification (germline): Uncertain significance (1 of 4 stars; one submission).

Allele frequency attached by ClinVar (database versions not stated): gnomAD 0.00001; gnomAD exomes 0.00001.
gnomAD v4.1: 12 of 1,532,590 alleles (0.00078%); highest among the groups gnomAD compares: East Asian, 0.024%; no homozygotes.

Submission:

Labcorp Genetics (formerly Invitae), Labcorp
Classification: Uncertain significance. Last evaluated: 2024-10-28. Review status: criteria provided, single submitter. Criteria: Invitae Variant Classification Sherloc (09022015). Collection method: clinical testing. Allele origin: germline.
Comment: This sequence change replaces serine, which is neutral and polar, with glycine, which is neutral and non-polar, at codon 1150 of the COL18A1 protein (p.Ser1150Gly). This variant is present in population databases (no rsID available, gnomAD 0.06%). This variant has not been reported in the literature in individuals affected with COL18A1-related conditions. ClinVar contains an entry for this variant (Variation ID: 2049049). Experimental studies and prediction algorithms are not available or were not evaluated, and the functional significance of this variant is currently unknown. In summary, the available evidence is currently insufficient to determine the role of this variant in disease. Therefore, it has been classified as a Variant of Uncertain Significance.